The following is an entry in ClinVar:

NM_025137.4(SPG11):c.6814A>T (p.Met2272Leu)

Gene: SPG11 (SPG11 vesicle trafficking associated, spatacsin; minus strand). Cytogenetic location: 15q21.1.
Variant type: single nucleotide variant.
Coding change: c.6814A>T on transcript NM_025137.4 (MANE Select); coding-DNA position 6814, A replaced by T.
Protein change: p.Met2272Leu; replaces methionine 2272 with leucine.
Molecular consequence: missense variant.
Genome position (GRCh38, 1-based): chr15:44,566,246, T>A on the plus strand (A>T on the coding strand, the complement: SPG11 is on the minus strand). VCF-style: chr15-44566246-T-A. GRCh37 (hg19) VCF-style: chr15-44858444-T-A.
Other names: c.6475A>T, p.Met2159Leu (NM_001160227.2); short protein forms M2159L, M2272L.
Identifiers: ClinVar variation 947657 (VCV000947657.9), dbSNP rs1186136891, ClinGen allele CA392213708.

ClinVar aggregate classification (germline): Uncertain significance (1 of 4 stars; one submission).

Conditions:
Hereditary spastic paraplegia 11. Also called: Spastic Paraplegia 11; Nakamura Osame syndrome; Autosomal recessive hereditary spastic paraplegia, mental impairment, and thin corpus callosum; Spastic paraplegia, mental retardation and thin corpus callosum; SPASTIC PARAPLEGIA, AUTOSOMAL RECESSIVE, COMPLICATED, WITH THIN CORPUS CALLOSUM; SPASTIC PARAPLEGIA, AUTOSOMAL RECESSIVE, WITH MENTAL IMPAIRMENT AND THIN CORPUS CALLOSUM. Identifiers: Orphanet 2822, MedGen C1858479, MONDO:0011445, OMIM 604360.

Allele frequency attached by ClinVar (database versions not stated): gnomAD exomes 0.00001 and below 0.00001; gnomAD 0.00001.
gnomAD v4.1: 15 of 1,614,064 alleles (0.00093%); highest among the groups gnomAD compares: East Asian, 0.016%; no homozygotes.

Submission:

Labcorp Genetics (formerly Invitae), Labcorp
Classification: Uncertain significance for Hereditary spastic paraplegia 11. Last evaluated: 2020-11-21. Review status: criteria provided, single submitter. Criteria: Invitae Variant Classification Sherloc (09022015). Collection method: clinical testing. Allele origin: germline.
Comment: In summary, the available evidence is currently insufficient to determine the role of this variant in disease. Therefore, it has been classified as a Variant of Uncertain Significance. Algorithms developed to predict the effect of missense changes on protein structure and function output the following: SIFT: "Tolerated"; PolyPhen-2: "Benign"; Align-GVGD: "Class C0". The leucine amino acid residue is found in multiple mammalian species, suggesting that this missense change does not adversely affect protein function. These predictions have not been confirmed by published functional studies and their clinical significance is uncertain. This variant has not been reported in the literature in individuals with SPG11-related conditions. This variant is not present in population databases (ExAC no frequency). This sequence change replaces methionine with leucine at codon 2272 of the SPG11 protein (p.Met2272Leu). The methionine residue is moderately conserved and there is a small physicochemical difference between methionine and leucine.